The following is an entry in ClinVar:

NM_003286.4(TOP1):c.2040G>A (p.Thr680=)

Genes: PLCG1-AS1 (PLCG1 antisense RNA 1; minus strand), TOP1 (DNA topoisomerase I; plus strand). Cytogenetic location: 20q12.
Variant type: single nucleotide variant.
Coding change: c.2040G>A on transcript NM_003286.4 (MANE Select); coding-DNA position 2040, G replaced by A.
Protein change: p.Thr680=; no amino-acid change (threonine 680 retained).
Molecular consequence: synonymous variant.
Genome position (GRCh38, 1-based): chr20:41,121,785, G>A. VCF-style: chr20-41121785-G-A. GRCh37 (hg19) VCF-style: chr20-39750425-G-A.
Other names: c.2040G>A (NM_003286.3).
Identifiers: ClinVar variation 749280 (VCV000749280.6), dbSNP rs550250396, ClinGen allele CA9858379.
Genomic context (GRCh38, chr20:41,121,785, plus strand): 5'-TGCCCGGAGAGACCTGAAAAGTGCTAAGGCTGATGCCAAGGTCATGAAGGATGCAAAGAC[G>A]AAGAAGTATGTACCTGGTATTGTGAAAGTTGGGGCTGGTAGAGAAAAGTGTGCAGCATCT-3'
Protein context (NP_003277.1, residues 670-690): ADAKVMKDAK[Thr680=]KKVVESKKKA

ClinVar aggregate classification (germline): Benign. Review status: criteria provided, multiple submitters, no conflicts (2 of 4 stars). 3 submissions from 3 submitters: Benign (2). 1 of the submissions does not count toward it. Last evaluated 2018-06-08.

Conditions:
TOP1-related disorder. Also called: TOP1-related condition.

Allele frequency attached by ClinVar (database versions not stated): gnomAD 0.00003 and 0.00008; TOPMed 0.00008; gnomAD exomes 0.00020 and 0.00037; 1000 Genomes Project 30x 0.00031; 1000 Genomes Project 0.00040; ExAC 0.00040.
gnomAD v4.1: 308 of 1,613,916 alleles (0.019%); highest among the groups gnomAD compares: South Asian, 0.27%; 3 homozygotes.

Submissions (3):

Labcorp Genetics (formerly Invitae), Labcorp
Classification: Benign. Last evaluated: 2018-06-08. Review status: criteria provided, single submitter. Criteria: Invitae Variant Classification Sherloc (09022015). Collection method: clinical testing. Allele origin: germline.

Breakthrough Genomics
Classification: Benign. Review status: criteria provided, single submitter. Criteria: ACMG Guidelines, 2015. Collection method: not provided. Allele origin: germline. Inheritance: Unknown mechanism. Affected: yes.

PreventionGenetics, part of Exact Sciences
Classification: Likely benign for TOP1-related condition. Last evaluated: 2019-12-30. Review status: no assertion criteria provided. Collection method: clinical testing. Allele origin: germline. Not counted in ClinVar's aggregate classification.
Comment: This variant is classified as likely benign based on ACMG/AMP sequence variant interpretation guidelines (Richards et al. 2015 PMID: 25741868, with internal and published modifications).